The following is an entry in ClinVar:

ClinVar aggregate classification (germline): Pathogenic. Review status: criteria provided, multiple submitters, no conflicts (2 of 4 stars). 2 submissions from 2 submitters: Pathogenic (2). Last evaluated 2023-05-01.

Conditions:
Familial adenomatous polyposis 1 (FAP1). Also called: POLYPOSIS, ADENOMATOUS INTESTINAL; FAMILIAL ADENOMATOUS POLYPOSIS 1, ATTENUATED. Identifiers: MedGen C2713442, MONDO:0021056, OMIM 175100. Disease mechanism: loss of function.

Submissions (2):

Myriad Genetics, Inc.
Classification: Pathogenic for Familial adenomatous polyposis 1. Last evaluated: 2023-05-01. Review status: criteria provided, single submitter. Criteria: Myriad Autosomal Dominant, Autosomal Recessive and X-Linked Classification Criteria (2023). Collection method: clinical testing. Allele origin: unknown.
Comment: This variant is considered pathogenic. This variant creates a termination codon and is predicted to result in premature protein truncation.

Labcorp Genetics (formerly Invitae), Labcorp
Classification: Pathogenic for Familial adenomatous polyposis 1. Last evaluated: 2020-02-04. Review status: criteria provided, single submitter. Criteria: Invitae Variant Classification Sherloc (09022015). Collection method: clinical testing. Allele origin: germline.
Comment: For these reasons, this variant has been classified as Pathogenic. Loss-of-function variants in APC are known to be pathogenic (PMID: 17963004, 20685668). This variant has not been reported in the literature in individuals with APC-related disease. This variant is not present in population databases (ExAC no frequency). This sequence change creates a premature translational stop signal (p.Cys483*) in the APC gene. It is expected to result in an absent or disrupted protein product.

Literature cited by the submitters: PubMed 17963004 (cited by Labcorp Genetics (formerly Invitae), Labcorp); PubMed 20685668 (cited by Labcorp Genetics (formerly Invitae), Labcorp).

NM_000038.6(APC):c.1449_1450del (p.Cys483_Glu484delinsTer)

Gene: APC (APC regulator of Wnt signaling pathway; plus strand). Cytogenetic location: 5q22.2.
Variant type: Microsatellite.
Coding change: c.1449_1450del on transcript NM_000038.6 (MANE Select); coding-DNA positions 1449 to 1450, 2 bases deleted (TG; older notation c.1449_1450delTG).
Protein change: p.Cys483_Glu484delinsTer.
Molecular consequence: nonsense.
Genome position (GRCh38, 1-based): chr5:112,827,148-112,827,149, TG deleted; deleting any 2 consecutive bases within chr5:112,827,146-112,827,149 gives the same sequence; the c. name uses the placement nearest the transcript's 3' end. VCF-style (leftmost placement, unchanged base first): chr5-112827145-CTG-C. GRCh37 (hg19) VCF-style: chr5-112162842-CTG-C.
Other names: c.1449_1450del, p.Cys483_Glu484delinsTer (NM_001127510.3, NM_001354895.2); c.1395_1396del, p.Cys465_Glu466delinsTer (NM_001127511.3); c.1503_1504del, p.Cys501_Glu502delinsTer (NM_001354896.2); c.1479_1480del, p.Cys493_Glu494delinsTer (NM_001354897.2); c.1374_1375del, p.Cys458_Glu459delinsTer (NM_001354898.2); c.1365_1366del, p.Cys455_Glu456delinsTer (NM_001354899.2); c.1326_1327del, p.Cys442_Glu443delinsTer (NM_001354900.2); c.1272_1273del, p.Cys424_Glu425delinsTer (NM_001354901.2); and 5 more.
Identifiers: ClinVar variation 469707 (VCV000469707.10), dbSNP rs1554081669, ClinGen allele CA658655937.
Genomic context (GRCh38, chr5:112,827,145, plus strand): 5'-TCCTCTTGCCCTTTTTAAATTAGGGGGACTACAGGCCATTGCAGAATTATTGCAAGTGGA[CTG>C]TGAAATGTATGGGCTTACTAATGACCACTACAGTATTACACTAAGACGATATGCTGGAAT-3'